The following is an entry in ClinVar:

ClinVar aggregate classification (germline): Uncertain significance (1 of 4 stars; one submission).

Conditions:
Mosaic variegated aneuploidy syndrome 1 (MVA1). Also called: Warburton-Anyane-Yeboa syndrome. Identifiers: Orphanet 1052, MedGen C1850343, MONDO:0009759, OMIM 257300.

Allele frequency attached by ClinVar (database versions not stated): gnomAD exomes below 0.00001.
gnomAD v4.1: 1 of 1,612,928 alleles (0.000062%); highest among the groups gnomAD compares: Non-Finnish European, 0.000085%; no homozygotes.

Submission:

Labcorp Genetics (formerly Invitae), Labcorp
Classification: Uncertain significance for Mosaic variegated aneuploidy syndrome 1. Last evaluated: 2021-06-14. Review status: criteria provided, single submitter. Criteria: Invitae Variant Classification Sherloc (09022015). Collection method: clinical testing. Allele origin: germline.
Comment: This variant has not been reported in the literature in individuals with BUB1B-related conditions. Algorithms developed to predict the effect of missense changes on protein structure and function output the following: SIFT: "Tolerated"; PolyPhen-2: "Benign"; Align-GVGD: "Class C0". The aspartic acid amino acid residue is found in multiple mammalian species, suggesting that this missense change does not adversely affect protein function. These predictions have not been confirmed by published functional studies and their clinical significance is uncertain. In summary, the available evidence is currently insufficient to determine the role of this variant in disease. Therefore, it has been classified as a Variant of Uncertain Significance. This variant is not present in population databases (ExAC no frequency). This sequence change replaces glutamic acid with aspartic acid at codon 776 of the BUB1B protein (p.Glu776Asp). The glutamic acid residue is weakly conserved and there is a small physicochemical difference between glutamic acid and aspartic acid.

NM_001211.6(BUB1B):c.2328A>C (p.Glu776Asp)

Gene: BUB1B (BUB1 mitotic checkpoint serine/threonine kinase B; plus strand). Cytogenetic location: 15q15.1.
Variant type: single nucleotide variant.
Coding change: c.2328A>C on transcript NM_001211.6 (MANE Select); coding-DNA position 2328, A replaced by C.
Protein change: p.Glu776Asp; replaces glutamic acid 776 with aspartic acid.
Molecular consequence: missense variant.
Genome position (GRCh38, 1-based): chr15:40,210,153, A>C. VCF-style: chr15-40210153-A-C. GRCh37 (hg19) VCF-style: chr15-40502354-A-C.
Other names: short protein forms E776D.
Identifiers: ClinVar variation 1408032 (VCV001408032.8), dbSNP rs2140906494, ClinGen allele CA391694950.